The following is an entry in ClinVar:

Conditions:
Breast-ovarian cancer, familial, susceptibility to, 1 (BROVCA1). Also called: BRCA1 Hereditary Breast and Ovarian Cancer; OVARIAN CANCER, SUSCEPTIBILITY TO. Identifiers: Orphanet 145, MedGen C2676676, MONDO:0011450, OMIM 604370. Disease mechanism: loss of function.

Submission:

Brotman Baty Institute, University of Washington
No classification provided (evidence only). Condition: Breast-ovarian cancer, familial 1. Review status: no classification provided. Collection method: in vitro. Allele origin: not applicable. Functional consequence: functionally_abnormal.
ClinVar note: "not provided" was previously submitted as the classification for the variant. However, the classification appeared to be based only on an observation of functional data so it was converted to no classification on 2025-07-30.

NM_007294.4(BRCA1):c.5468-3C>A

Gene: BRCA1 (BRCA1 DNA repair associated; minus strand). Cytogenetic location: 17q21.31.
Variant type: single nucleotide variant.
Coding change: c.5468-3C>A on transcript NM_007294.4 (MANE Select); 3 bases into the intron before coding-DNA position 5468, C replaced by A.
Molecular consequence: intron variant.
Genome position (GRCh38, 1-based): chr17:43,045,805, G>T on the plus strand (C>A on the coding strand, the complement: BRCA1 is on the minus strand). VCF-style: chr17-43045805-G-T. GRCh37 (hg19) VCF-style: chr17-41197822-G-T.
Other names: c.2015-3C>A (NM_001408458.1, NM_001408461.1, NM_001408464.1 and 7 more transcripts); c.4577-3C>A (NM_001407967.1); c.5087-3C>A (NM_001407959.1); c.5201-3C>A (NM_001407931.1, NM_001407932.1, NM_001407928.1 and 4 more transcripts); c.5324-3C>A (NM_001407747.1, NM_001407745.1, NM_001407737.1 and 18 more transcripts); c.5084-3C>A (NM_001407962.1, NM_001407960.1); c.1655-3C>A (NM_001408512.1); c.1778-3C>A (NM_001408510.1); and 83 more.
Identifiers: ClinVar variation 868960 (VCV000868960.3), dbSNP rs1567756806, ClinGen allele CA916080702.